The following is an entry in ClinVar:

ClinVar aggregate classification (germline): Likely benign. Review status: criteria provided, multiple submitters, no conflicts (2 of 4 stars). 3 submissions from 3 submitters: Likely benign (2). 1 of the submissions does not count toward it. Last evaluated 2025-01-08.

Conditions:
CNTNAP1-related disorder. Also called: CNTNAP1-related disease; CNTNAP1-related condition.

Allele frequency attached by ClinVar (database versions not stated): gnomAD 0.00006 and 0.00007; TOPMed 0.00007; gnomAD exomes 0.00010 and 0.00018; ExAC 0.00022.

Submissions (3):

Labcorp Genetics (formerly Invitae), Labcorp
Classification: Likely benign. Last evaluated: 2025-01-08. Review status: criteria provided, single submitter. Criteria: Invitae Variant Classification Sherloc (09022015). Collection method: clinical testing. Allele origin: germline.

Blueprint Genetics
Classification: Likely benign. Last evaluated: 2024-11-26. Review status: criteria provided, single submitter. Criteria: ACMG Guidelines, 2015. Collection method: clinical testing. Allele origin: germline.

PreventionGenetics, part of Exact Sciences
Classification: Likely benign for CNTNAP1-related condition. Last evaluated: 2019-09-17. Review status: no assertion criteria provided. Collection method: clinical testing. Allele origin: germline. Not counted in ClinVar's aggregate classification.
Comment: This variant is classified as likely benign based on ACMG/AMP sequence variant interpretation guidelines (Richards et al. 2015 PMID: 25741868, with internal and published modifications).

NM_003632.3(CNTNAP1):c.2463C>T (p.Val821=)

Gene: CNTNAP1 (contactin associated protein 1; plus strand). Cytogenetic location: 17q21.2.
Variant type: single nucleotide variant.
Coding change: c.2463C>T on transcript NM_003632.3 (MANE Select); coding-DNA position 2463, C replaced by T.
Protein change: p.Val821=; no amino-acid change (valine 821 retained).
Molecular consequence: synonymous variant.
Genome position (GRCh38, 1-based): chr17:42,691,924, C>T. VCF-style: chr17-42691924-C-T. GRCh37 (hg19) VCF-style: chr17-40843942-C-T.
Identifiers: ClinVar variation 732434 (VCV000732434.12), dbSNP rs774080461, ClinGen allele CA8582058.